The following is an entry in ClinVar:

ClinVar aggregate classification (germline): Pathogenic (1 of 4 stars; one submission).

Conditions:
Short-rib thoracic dysplasia 11 with or without polydactyly (SRTD11). Also called: SHORT-RIB THORACIC DYSPLASIA 11 WITHOUT POLYDACTYLY. Identifiers: Orphanet 474, Orphanet 93271, MedGen C3810200, MONDO:0014287, OMIM 615633.

Submission:

Labcorp Genetics (formerly Invitae), Labcorp
Classification: Pathogenic for Short-rib thoracic dysplasia 11 with or without polydactyly. Last evaluated: 2025-09-01. Review status: criteria provided, single submitter. Criteria: Invitae Variant Classification Sherloc (09022015). Collection method: clinical testing. Allele origin: germline.
Comment: This sequence change creates a premature translational stop signal (p.Phe403Serfs*7) in the WDR34 gene. It is expected to result in an absent or disrupted protein product. Loss-of-function variants in WDR34 are known to be pathogenic (PMID: 24183449, 24183451, 28379358). This variant is not present in population databases (gnomAD no frequency). This variant has not been reported in the literature in individuals affected with WDR34-related conditions. For these reasons, this variant has been classified as Pathogenic.

Literature cited by the submitters: PubMed 24183449; PubMed 24183451; PubMed 28379358.

NM_052844.4(DYNC2I2):c.1206del (p.Phe403fs)

Genes: DYNC2I2 (dynein 2 intermediate chain 2; minus strand), LOC126860772 (CDK7 strongly-dependent group 2 enhancer GRCh37_chr9:131396972-131398171; plus strand). Cytogenetic location: 9q34.11.
Variant type: Deletion.
Coding change: c.1206del on transcript NM_052844.4 (MANE Select); coding-DNA position 1206, one base deleted (C; older notation c.1206delC).
Protein change: p.Phe403fs; shifts the reading frame from phenylalanine 403.
Molecular consequence: frameshift variant.
Genome position (GRCh38, 1-based): chr9:128,634,697, G deleted on the plus strand (C on the coding strand, the reverse complement: DYNC2I2 is on the minus strand); the first of 5 consecutive G bases (chr9:128,634,697-128,634,701); deleting any one gives the same sequence. VCF-style (leftmost placement, unchanged base first): chr9-128634696-AG-A. GRCh37 (hg19) VCF-style: chr9-131396975-AG-A.
Other names: short protein forms F403fs.
Identifiers: ClinVar variation 4763097 (VCV004763097.1).